The following is an entry in ClinVar:

ClinVar aggregate classification (germline): Uncertain significance (1 of 4 stars; one submission).

Submission:

GeneDx
Classification: Uncertain significance. Last evaluated: 2023-05-01. Review status: criteria provided, single submitter. Criteria: GeneDx Variant Classification Process June 2021. Collection method: clinical testing. Allele origin: germline. Affected: yes.
Comment: Not observed at significant frequency in large population cohorts (gnomAD); In silico analysis supports that this missense variant does not alter protein structure/function; Has not been previously published as pathogenic or benign to our knowledge

NM_000054.7(AVPR2):c.647C>A (p.Ala216Glu)

Gene: AVPR2 (arginine vasopressin receptor 2; plus strand). Cytogenetic location: Xq28.
Variant type: single nucleotide variant.
Coding change: c.647C>A on transcript NM_000054.7 (MANE Select); coding-DNA position 647, C replaced by A.
Protein change: p.Ala216Glu; replaces alanine 216 with glutamic acid.
Molecular consequence: missense variant. On other transcripts: non-coding transcript variant (1).
Genome position (GRCh38, 1-based): chrX:153,906,153, C>A. VCF-style: chrX-153906153-C-A. GRCh37 (hg19) VCF-style: chrX-153171607-C-A.
Other names: c.647C>A, p.Ala216Glu (NM_001146151.3); short protein forms A216E.
Identifiers: ClinVar variation 3343280 (VCV003343280.1).
Genomic context (GRCh38, chrX:153,906,153, plus strand): 5'-TTGCGGAGCCCTGGGGCCGTCGCACCTATGTCACCTGGATTGCCCTGATGGTGTTCGTGG[C>A]ACCTACCCTGGGTATCGCCGCCTGCCAGGTGCTCATCTTCCGGGAGATTCATGCCAGTCT-3'
Protein context (NP_000045.1, residues 206-226): VTWIALMVFV[Ala216Glu]PTLGIAACQV